The following is an entry in ClinVar:

ClinVar aggregate classification (germline): Uncertain significance. Review status: criteria provided, multiple submitters, no conflicts (2 of 4 stars). 2 submissions from 2 submitters: Uncertain significance (2). Last evaluated 2024-12-30.

Conditions:
Infantile neuroaxonal dystrophy (NBIA2A). Also called: NEURODEGENERATION WITH BRAIN IRON ACCUMULATION 2A; SEITELBERGER DISEASE; Infantile neuroaxonal dystrophy 1. Identifiers: Orphanet 35069, MedGen C0270724, MONDO:0024457, OMIM 256600.

Allele frequency attached by ClinVar (database versions not stated): gnomAD exomes 0.00002 and 0.00003; TOPMed 0.00002; ExAC 0.00002; ESP Exome Variant Server 0.00008.
gnomAD v4.1: 33 of 1,613,536 alleles (0.002%); highest among the groups gnomAD compares: Middle Eastern, 0.017%; 1 homozygote.

Submissions (2):

Mayo Clinic Laboratories, Mayo Clinic
Classification: Uncertain significance. Last evaluated: 2024-12-30. Review status: criteria provided, single submitter. Criteria: ACMG Guidelines, 2015. Collection method: clinical testing. Allele origin: germline. Observed: 1 variant allele.
Comment: BP4_moderate, PM2_supporting

Labcorp Genetics (formerly Invitae), Labcorp
Classification: Uncertain significance for Infantile neuroaxonal dystrophy. Last evaluated: 2024-11-05. Review status: criteria provided, single submitter. Criteria: Invitae Variant Classification Sherloc (09022015). Collection method: clinical testing. Allele origin: germline.
Comment: This sequence change replaces alanine, which is neutral and non-polar, with valine, which is neutral and non-polar, at codon 464 of the PLA2G6 protein (p.Ala464Val). This variant is present in population databases (rs376801641, gnomAD 0.007%). This missense change has been observed in individual(s) with PLA2G6-related conditions (PMID: 35861376). ClinVar contains an entry for this variant (Variation ID: 1411576). Invitae Evidence Modeling of protein sequence and biophysical properties (such as structural, functional, and spatial information, amino acid conservation, physicochemical variation, residue mobility, and thermodynamic stability) indicates that this missense variant is not expected to disrupt PLA2G6 protein function with a negative predictive value of 95%. In summary, the available evidence is currently insufficient to determine the role of this variant in disease. Therefore, it has been classified as a Variant of Uncertain Significance.

Literature cited by the submitters: PubMed 35861376 (cited by Mayo Clinic Laboratories, Mayo Clinic and Labcorp Genetics (formerly Invitae), Labcorp).

NM_003560.4(PLA2G6):c.1391C>T (p.Ala464Val)

Gene: PLA2G6 (phospholipase A2 group VI; minus strand). Cytogenetic location: 22q13.1.
Variant type: single nucleotide variant.
Coding change: c.1391C>T on transcript NM_003560.4 (MANE Select); coding-DNA position 1391, C replaced by T.
Protein change: p.Ala464Val; replaces alanine 464 with valine.
Molecular consequence: missense variant.
Genome position (GRCh38, 1-based): chr22:38,126,407, G>A on the plus strand (C>T on the coding strand, the complement: PLA2G6 is on the minus strand). VCF-style: chr22-38126407-G-A. GRCh37 (hg19) VCF-style: chr22-38522414-G-A.
Other names: p.Ala464Val; c.1229C>T, p.Ala410Val (NM_001004426.3, NM_001199562.3, NM_001349865.2 and 1 more transcripts); c.1391C>T, p.Ala464Val (NM_001349864.2); c.857C>T, p.Ala286Val (NM_001349867.2); c.713C>T, p.Ala238Val (NM_001349868.2); c.695C>T, p.Ala232Val (NM_001349869.2); short protein forms A286V, A238V, A410V, A232V, A464V.
Identifiers: ClinVar variation 1411576 (VCV001411576.5), dbSNP rs376801641, ClinGen allele CA10230885.